The following is an entry in ClinVar:

ClinVar aggregate classification (germline): Uncertain significance (1 of 4 stars; one submission).

gnomAD v4.1: 10 of 1,612,828 alleles (0.00062%); highest among the groups gnomAD compares: Admixed American, 0.0033%; no homozygotes.

Submission:

Labcorp Genetics (formerly Invitae), Labcorp
Classification: Uncertain significance. Last evaluated: 2025-12-24. Review status: criteria provided, single submitter. Criteria: Invitae Variant Classification Sherloc (09022015). Collection method: clinical testing. Allele origin: germline.
Comment: This sequence change replaces alanine, which is neutral and non-polar, with valine, which is neutral and non-polar, at codon 483 of the POLR1A protein (p.Ala483Val). The frequency data for this variant in the population databases is considered unreliable, as metrics indicate poor data quality at this position in the gnomAD database. This variant has not been reported in the literature in individuals affected with POLR1A-related conditions. Invitae Evidence Modeling of protein sequence and biophysical properties (such as structural, functional, and spatial information, amino acid conservation, physicochemical variation, residue mobility, and thermodynamic stability) indicates that this missense variant is expected to disrupt POLR1A protein function with a positive predictive value of 80%. In summary, the available evidence is currently insufficient to determine the role of this variant in disease. Therefore, it has been classified as a Variant of Uncertain Significance.

NM_015425.6(POLR1A):c.1448C>T (p.Ala483Val)

Gene: POLR1A (RNA polymerase I subunit A; minus strand). Cytogenetic location: 2p11.2.
Variant type: single nucleotide variant.
Coding change: c.1448C>T on transcript NM_015425.6 (MANE Select); coding-DNA position 1448, C replaced by T.
Protein change: p.Ala483Val; replaces alanine 483 with valine.
Molecular consequence: missense variant.
Genome position (GRCh38, 1-based): chr2:86,075,193, G>A on the plus strand (C>T on the coding strand, the complement: POLR1A is on the minus strand). VCF-style: chr2-86075193-G-A. GRCh37 (hg19) VCF-style: chr2-86302316-G-A.
Other names: short protein forms A483V.
Identifiers: ClinVar variation 4703826 (VCV004703826.1).